The following is an entry in ClinVar:

ClinVar aggregate classification (germline): Uncertain significance (1 of 4 stars; one submission).

Conditions:
Familial sleep-related hypermotor epilepsy. Also called: Autosomal Dominant Sleep-Related Hypermotor (Hyperkinetic) Epilepsy. Identifiers: Orphanet 98784, MedGen C3696898, MONDO:0000030.

Submission:

Labcorp Genetics (formerly Invitae), Labcorp
Classification: Uncertain significance. Last evaluated: 2024-03-10. Review status: criteria provided, single submitter. Criteria: Invitae Variant Classification Sherloc (09022015). Collection method: clinical testing. Allele origin: germline.
Comment: This sequence change replaces proline, which is neutral and non-polar, with serine, which is neutral and polar, at codon 383 of the CHRNA2 protein (p.Pro383Ser). This variant is not present in population databases (gnomAD no frequency). This variant has not been reported in the literature in individuals affected with CHRNA2-related conditions. Advanced modeling of protein sequence and biophysical properties (such as structural, functional, and spatial information, amino acid conservation, physicochemical variation, residue mobility, and thermodynamic stability) has been performed at Invitae for this missense variant, however the output from this modeling did not meet the statistical confidence thresholds required to predict the impact of this variant on CHRNA2 protein function. In summary, the available evidence is currently insufficient to determine the role of this variant in disease. Therefore, it has been classified as a Variant of Uncertain Significance.

NM_000742.4(CHRNA2):c.1147C>T (p.Pro383Ser)

Gene: CHRNA2 (cholinergic receptor nicotinic alpha 2 subunit; minus strand). Cytogenetic location: 8p21.2.
Variant type: single nucleotide variant.
Coding change: c.1147C>T on transcript NM_000742.4 (MANE Select); coding-DNA position 1147, C replaced by T.
Protein change: p.Pro383Ser; replaces proline 383 with serine.
Molecular consequence: missense variant.
Genome position (GRCh38, 1-based): chr8:27,463,296, G>A on the plus strand (C>T on the coding strand, the complement: CHRNA2 is on the minus strand). VCF-style: chr8-27463296-G-A. GRCh37 (hg19) VCF-style: chr8-27320813-G-A.
Other names: c.1102C>T, p.Pro368Ser (NM_001282455.2); c.670C>T, p.Pro224Ser (NM_001347705.2, NM_001347706.2); c.553C>T, p.Pro185Ser (NM_001347707.2, NM_001347708.2); short protein forms P383S, P185S, P224S, P368S.
Identifiers: ClinVar variation 3645279 (VCV003645279.2).
Genomic context (GRCh38, chr8:27,463,296, plus strand): 5'-AGTGATAAGAGGGGCTGAGCTTCAGGCGTAGGGGGTGGCAGAGCTCCACGGGTGGTGGGG[G>A]CCGGTTCATCAGAAGCCACCGGGGCACACAGCCCAGAAGGGCCCCCCGCACCCAGTGGGG-3'
Protein context (NP_000733.2, residues 373-393): CVPRWLLMNR[Pro383Ser]PPPVELCHPL